The following is an entry in ClinVar:

ClinVar aggregate classification (germline): Conflicting classifications of pathogenicity. Review status: criteria provided, conflicting classifications (1 of 4 stars). 2 submissions from 2 submitters: Uncertain significance (1); Likely benign (1). Last evaluated 2024-07-19.

Conditions:
Cardiovascular phenotype. Identifiers: MedGen CN230736.
Hypercholesterolemia, autosomal dominant, 3 (FHCL3). Also called: Familial Hypercholesterolemia, Autosomal Dominant, 3; PCSK9-Related Familial Hypercholesterolemia, Autosomal Dominant; Familial hypercholesterolemia 3. Identifiers: MedGen C1863551, MONDO:0011369, OMIM 603776.

Allele frequency attached by ClinVar (database versions not stated): gnomAD exomes 0.00001; ExAC 0.00004; gnomAD 0.00005; TOPMed 0.00011.
gnomAD v4.1: 24 of 1,612,054 alleles (0.0015%); highest among the groups gnomAD compares: African/African-American, 0.029%; no homozygotes.

Submissions (2):

Labcorp Genetics (formerly Invitae), Labcorp
Classification: Uncertain significance for Hypercholesterolemia, autosomal dominant, 3. Last evaluated: 2024-07-19. Review status: criteria provided, single submitter. Criteria: Invitae Variant Classification Sherloc (09022015). Collection method: clinical testing. Allele origin: germline.
Comment: This sequence change replaces valine, which is neutral and non-polar, with isoleucine, which is neutral and non-polar, at codon 460 of the PCSK9 protein (p.Val460Ile). This variant is present in population databases (rs780193533, gnomAD 0.05%). This variant has not been reported in the literature in individuals affected with PCSK9-related conditions. ClinVar contains an entry for this variant (Variation ID: 1771225). Advanced modeling of protein sequence and biophysical properties (such as structural, functional, and spatial information, amino acid conservation, physicochemical variation, residue mobility, and thermodynamic stability) has been performed at Invitae for this missense variant, however the output from this modeling did not meet the statistical confidence thresholds required to predict the impact of this variant on PCSK9 protein function. In summary, the available evidence is currently insufficient to determine the role of this variant in disease. Therefore, it has been classified as a Variant of Uncertain Significance.

Ambry Genetics
Classification: Likely benign for Cardiovascular phenotype. Last evaluated: 2021-09-21. Review status: criteria provided, single submitter. Criteria: Ambry Variant Classification Scheme 2023. Collection method: clinical testing. Allele origin: germline.

NM_174936.4(PCSK9):c.1378G>A (p.Val460Ile)

Gene: PCSK9 (proprotein convertase subtilisin/kexin type 9; plus strand). Cytogenetic location: 1p32.3.
Variant type: single nucleotide variant.
Coding change: c.1378G>A on transcript NM_174936.4 (MANE Select); coding-DNA position 1378, G replaced by A.
Protein change: p.Val460Ile; replaces valine 460 with isoleucine.
Molecular consequence: missense variant.
Genome position (GRCh38, 1-based): chr1:55,058,522, G>A. VCF-style: chr1-55058522-G-A. GRCh37 (hg19) VCF-style: chr1-55524195-G-A.
Other names: c.1381G>A, p.Val461Ile (NM_001407242.1); c.1321G>A, p.Val441Ile (NM_001407243.1); c.1204G>A, p.Val402Ile (NM_001407244.1); c.1186G>A, p.Val396Ile (NM_001407245.1); c.1003G>A, p.Val335Ile (NM_001407246.1); c.1501G>A, p.Val501Ile (NM_001407240.1); c.1378G>A, p.Val460Ile (NM_001407241.1); short protein forms V335I, V396I, V501I, V461I, V441I, V402I, V460I.
Identifiers: ClinVar variation 1771225 (VCV001771225.4), dbSNP rs780193533, ClinGen allele CA036670.